The following is an entry in ClinVar:

ClinVar aggregate classification (germline): Uncertain significance (1 of 4 stars; one submission).

Conditions:
Cardiovascular phenotype. Identifiers: MedGen CN230736.

Allele frequency attached by ClinVar (database versions not stated): gnomAD exomes below 0.00001.
gnomAD v4.1: 1 of 1,614,098 alleles (0.000062%); highest among the groups gnomAD compares: African/African-American, 0.0013%; no homozygotes.

Submission:

Ambry Genetics
Classification: Uncertain significance for Cardiovascular phenotype. Last evaluated: 2023-11-27. Review status: criteria provided, single submitter. Criteria: Ambry Variant Classification Scheme 2023. Collection method: clinical testing. Allele origin: germline.
Comment: The p.P630R variant (also known as c.1889C>G), located in coding exon 11 of the CBL gene, results from a C to G substitution at nucleotide position 1889. The proline at codon 630 is replaced by arginine, an amino acid with dissimilar properties. This amino acid position is conserved. In addition, this alteration is predicted to be tolerated by in silico analysis. Since supporting evidence is limited at this time, the clinical significance of this alteration remains unclear.

NM_005188.4(CBL):c.1889C>G (p.Pro630Arg)

Gene: CBL (Cbl proto-oncogene; plus strand). Cytogenetic location: 11q23.3.
Variant type: single nucleotide variant.
Coding change: c.1889C>G on transcript NM_005188.4 (MANE Select); coding-DNA position 1889, C replaced by G.
Protein change: p.Pro630Arg; replaces proline 630 with arginine.
Molecular consequence: missense variant.
Genome position (GRCh38, 1-based): chr11:119,285,514, C>G. VCF-style: chr11-119285514-C-G. GRCh37 (hg19) VCF-style: chr11-119156224-C-G.
Other names: short protein forms P630R.
Identifiers: ClinVar variation 3224647 (VCV003224647.1), dbSNP rs1186507278, ClinGen allele CA382920871.
Genomic context (GRCh38, chr11:119,285,514, plus strand): 5'-CAGGAAGAGAATTAACCAACCGGCACTCACTTCCATTTTCATTGCCCTCACAAATGGAGC[C>G]CAGACCAGATGTGCCTAGGCTCGGAAGCACGTTCAGTCTGGATACCTCCATGGTGAGTCT-3'
Protein context (NP_005179.2, residues 620-640): LPFSLPSQME[Pro630Arg]RPDVPRLGST